The following is an entry in ClinVar:

ClinVar aggregate classification (germline): Uncertain significance (1 of 4 stars; one submission).

Conditions:
Hereditary cancer-predisposing syndrome. Also called: Tumor predisposition; Neoplastic Syndromes, Hereditary; Hereditary neoplastic syndrome; Hereditary Cancer Syndrome. Identifiers: Orphanet 140162, MedGen C0027672, MeSH D009386, MONDO:0015356.

Submission:

Ambry Genetics
Classification: Uncertain significance for Hereditary cancer-predisposing syndrome. Last evaluated: 2024-08-21. Review status: criteria provided, single submitter. Criteria: Ambry Variant Classification Scheme 2023. Collection method: clinical testing. Allele origin: germline.
Comment: The p.D245E variant (also known as c.735T>A), located in coding exon 3 of the XRCC2 gene, results from a T to A substitution at nucleotide position 735. The aspartic acid at codon 245 is replaced by glutamic acid, an amino acid with highly similar properties. This amino acid position is conserved. In addition, this alteration is predicted to be tolerated by in silico analysis. Based on the available evidence, the clinical significance of this variant remains unclear.

NM_005431.2(XRCC2):c.735T>A (p.Asp245Glu)

Gene: XRCC2 (X-ray repair cross complementing 2; minus strand). Cytogenetic location: 7q36.1.
Variant type: single nucleotide variant.
Coding change: c.735T>A on transcript NM_005431.2 (MANE Select); coding-DNA position 735, T replaced by A.
Protein change: p.Asp245Glu; replaces aspartic acid 245 with glutamic acid.
Molecular consequence: missense variant.
Genome position (GRCh38, 1-based): chr7:152,648,750, A>T on the plus strand (T>A on the coding strand, the complement: XRCC2 is on the minus strand). VCF-style: chr7-152648750-A-T. GRCh37 (hg19) VCF-style: chr7-152345835-A-T.
Other names: short protein forms D245E.
Identifiers: ClinVar variation 3471464 (VCV003471464.1).
Genomic context (GRCh38, chr7:152,648,750, plus strand): 5'-TAAACTGTTACTTTTTAAACAACGTGAAACTAATGAAAATTGGTTGCTGCTTTGAGAATC[A>T]TCTTGTTTGGAGAAAAACATCCTGTGCTTCACCAGTTGCTGCCATGCCTTACAGAGATAA-3'
Protein context (NP_005422.1, residues 235-255): VKHRMFFSKQ[Asp245Glu]DSQSSNQFSL